The following is an entry in ClinVar:

ClinVar aggregate classification (germline): Uncertain significance (1 of 4 stars; one submission).

Conditions:
CREBBP-related disorder. Also called: CREBBP-related condition; CREBBP-related disorders.

gnomAD v4.1: 1 of 1,614,014 alleles (0.000062%); highest among the groups gnomAD compares: Non-Finnish European, 0.000085%; no homozygotes.

Submission:

PreventionGenetics, part of Exact Sciences
Classification: Uncertain significance for CREBBP-related condition. Last evaluated: 2024-10-19. Review status: criteria provided, single submitter. Criteria: ACMG Guidelines, 2015. Collection method: clinical testing. Allele origin: germline.
Comment: The CREBBP c.1658C>A variant is predicted to result in the amino acid substitution p.Thr553Asn. To our knowledge, this variant has not been reported in the literature or in a large population database (gnomAD), indicating this variant is rare. At this time, the clinical significance of this variant is uncertain due to the absence of conclusive functional and genetic evidence.

NM_004380.3(CREBBP):c.1658C>A (p.Thr553Asn)

Gene: CREBBP (CREB binding lysine acetyltransferase; minus strand). Cytogenetic location: 16p13.3.
Variant type: single nucleotide variant.
Coding change: c.1658C>A on transcript NM_004380.3 (MANE Select); coding-DNA position 1658, C replaced by A.
Protein change: p.Thr553Asn; replaces threonine 553 with asparagine.
Molecular consequence: missense variant.
Genome position (GRCh38, 1-based): chr16:3,781,222, G>T on the plus strand (C>A on the coding strand, the complement: CREBBP is on the minus strand). VCF-style: chr16-3781222-G-T. GRCh37 (hg19) VCF-style: chr16-3831223-G-T.
Other names: c.1544C>A, p.Thr515Asn (NM_001079846.1); short protein forms T515N, T553N.
Identifiers: ClinVar variation 4997602 (VCV004997602.1).